The following is an entry in ClinVar:

NM_000179.3(MSH6):c.1902G>A (p.Leu634=)

Gene: MSH6 (mutS homolog 6; plus strand). Cytogenetic location: 2p16.3.
Variant type: single nucleotide variant.
Coding change: c.1902G>A on transcript NM_000179.3 (MANE Select); coding-DNA position 1902, G replaced by A.
Protein change: p.Leu634=; no amino-acid change (leucine 634 retained).
Molecular consequence: synonymous variant.
Genome position (GRCh38, 1-based): chr2:47,799,885, G>A. VCF-style: chr2-47799885-G-A. GRCh37 (hg19) VCF-style: chr2-48027024-G-A.
Other names: c.1512G>A, p.Leu504= (NM_001281492.2); c.996G>A, p.Leu332= (NM_001281493.2, NM_001281494.2).
Identifiers: ClinVar variation 764221 (VCV000764221.16), dbSNP rs1572724876, ClinGen allele CA426121299.

ClinVar aggregate classification (germline): Conflicting classifications of pathogenicity. Review status: criteria provided, conflicting classifications (1 of 4 stars). 7 submissions from 7 submitters: Uncertain significance (1); Benign (1); Likely benign (5). Last evaluated 2025-03-31.

Conditions:
Hereditary cancer-predisposing syndrome. Also called: Tumor predisposition; Neoplastic Syndromes, Hereditary; Hereditary Cancer Syndrome; Hereditary neoplastic syndrome. Identifiers: Orphanet 140162, MedGen C0027672, MeSH D009386, MONDO:0015356.
Hereditary nonpolyposis colorectal neoplasms. Identifiers: MedGen C0009405, MeSH D003123.
Lynch syndrome. Identifiers: Orphanet 144, MedGen C4552100, MONDO:0005835. Disease mechanism: loss of function.
Lynch syndrome 5 (LYNCH5). Also called: Colorectal cancer, hereditary nonpolyposis, type 5; Hereditary non-polyposis colorectal cancer, type 5. Identifiers: Orphanet 144, MedGen C1833477, MONDO:0013710, OMIM 614350. Disease mechanism: loss of function.

Allele frequency attached by ClinVar (database versions not stated): TOPMed below 0.00001.

Submissions (7):

Labcorp Genetics (formerly Invitae), Labcorp
Classification: Likely benign for Hereditary nonpolyposis colorectal neoplasms. Last evaluated: 2025-03-31. Review status: criteria provided, single submitter. Criteria: Invitae Variant Classification Sherloc (09022015). Collection method: clinical testing. Allele origin: germline.

Myriad Genetics, Inc.
Classification: Benign for Lynch syndrome 5. Last evaluated: 2024-12-30. Review status: criteria provided, single submitter. Criteria: Myriad Autosomal Dominant, Autosomal Recessive and X-Linked Classification Criteria (2023). Collection method: clinical testing. Allele origin: unknown.
Comment: This variant is considered benign. This variant is a silent/synonymous amino acid change and it is not expected to impact splicing.

Quest Diagnostics Nichols Institute San Juan Capistrano
Classification: Uncertain significance. Last evaluated: 2024-09-08. Review status: criteria provided, single submitter. Criteria: Quest Diagnostics criteria. Collection method: clinical testing. Allele origin: unknown.
Comment: The MSH6 c.1902G>A (p.Leu634=) synonymous variant has not been reported in individuals with MSH6-related conditions in the published literature. It also has not been reported in large, multi-ethnic general populations (Genome Aggregation Database). Analysis of this variant using software algorithms for the prediction of the effect of nucleotide changes on splicing yielded predictions that this variant does not affect MSH6 mRNA splicing. Based on the available information, we are unable to determine the clinical significance of this variant.

Hereditary Cancer Laboratory, Hospital Universitario 12 de Octubre
Classification: Likely benign for Hereditary cancer-predisposing syndrome. Last evaluated: 2024-08-19. Review status: criteria provided, single submitter. Criteria: ACMG Guidelines, 2015. Collection method: clinical testing. Allele origin: germline.
Comment: PM2+BP4+BP6+BP7

All of Us Research Program, National Institutes of Health
Classification: Likely benign for Lynch syndrome. Last evaluated: 2023-10-02. Review status: criteria provided, single submitter. Criteria: ACMG Guidelines, 2015. Collection method: clinical testing. Allele origin: germline. Inheritance: Autosomal dominant inheritance. Observed: 1 variant allele, 1 heterozygote.
Comment: This study involves interpretation of variants in research participants for the purpose of population health screening. Participant phenotype was not available at the time of variant classification. Additional details can be found in publication PMID: 35346344, PMCID: PMC8962531

Women's Health and Genetics/Laboratory Corporation of America, LabCorp
Classification: Likely benign. Last evaluated: 2022-05-05. Review status: criteria provided, single submitter. Criteria: LabCorp Variant Classification Summary - May 2015. Collection method: clinical testing. Allele origin: germline.

Ambry Genetics
Classification: Likely benign for Hereditary cancer-predisposing syndrome. Last evaluated: 2021-03-16. Review status: criteria provided, single submitter. Criteria: Ambry Variant Classification Scheme 2023. Collection method: clinical testing. Allele origin: germline.

Literature cited by the submitters: PubMed 32980694 (cited by Quest Diagnostics Nichols Institute San Juan Capistrano).